The following is an entry in ClinVar:

ClinVar aggregate classification (germline): Likely pathogenic (1 of 4 stars; one submission).

Conditions:
Supravalvar aortic stenosis (SVAS). Also called: Supravalvar aortic stenosis, Eisenberg type. Identifiers: Orphanet 3193, MedGen C0003499, MONDO:0008504, OMIM 185500, HP:0004381.

Submission:

Women's Health and Genetics/Laboratory Corporation of America, LabCorp
Classification: Likely pathogenic for Supravalvar aortic stenosis. Last evaluated: 2020-11-04. Review status: criteria provided, single submitter. Criteria: LabCorp Variant Classification Summary - May 2015. Collection method: clinical testing. Allele origin: germline.
Comment: Variant summary: ELN c.1245dupT (p.Gly416TrpfsX48) results in a premature termination codon, predicted to cause a truncation of the encoded protein or absence of the protein due to nonsense mediated decay, which are commonly known mechanisms for disease. Truncations in the same exon and downstream of this position have been reported in individuals affected with Supravalvular aortic stenosis (HGMD). The variant was absent in 251492 control chromosomes (gnomAD). To our knowledge, no occurrence of c.1245dupT in individuals affected with Supravalvular Aortic Stenosis and no experimental evidence demonstrating its impact on protein function have been reported. No clinical diagnostic laboratories have submitted clinical-significance assessments for this variant to ClinVar after 2014. Based on the evidence outlined above, the variant was classified as likely pathogenic.

NM_000501.4(ELN):c.1245dup (p.Gly416fs)

Gene: ELN (elastin; plus strand). Cytogenetic location: 7q11.23.
Variant type: Duplication.
Coding change: c.1245dup on transcript NM_000501.4 (MANE Select); coding-DNA position 1245, one base duplicated (T; older notation c.1245dupT).
Protein change: p.Gly416fs; shifts the reading frame from glycine 416.
Molecular consequence: frameshift variant. On other transcripts: intron variant (2).
Genome position (GRCh38, 1-based): chr7:74,056,365, T duplicated. VCF-style (leftmost placement, unchanged base first): chr7-74056364-C-CT. GRCh37 (hg19) VCF-style: chr7-73470694-C-CT.
Other names: c.1215dup, p.Gly406fs (NM_001081752.3, NM_001278917.2); c.1260dup, p.Gly421fs (NM_001081753.3, NM_001081754.3); c.1245dup, p.Gly416fs (NM_001081755.3, NM_001278912.2, NM_001278915.2 and 1 more transcripts); c.1230dup, p.Gly411fs (NM_001278914.2); c.1203dup, p.Gly402fs (NM_001278916.2); c.1129+8dup (NM_001278913.2); c.1105+8dup (NM_001278918.2); short protein forms G402fs, G406fs, G411fs, G416fs, G421fs.
Identifiers: ClinVar variation 987804 (VCV000987804.1), dbSNP rs1795220933, ClinGen allele CA1139660098.